The following is an entry in ClinVar:

NM_178509.6(STXBP4):c.467A>G (p.Lys156Arg)

Gene: STXBP4 (syntaxin binding protein 4; plus strand). Cytogenetic location: 17q22.
Variant type: single nucleotide variant.
Coding change: c.467A>G on transcript NM_178509.6 (MANE Select); coding-DNA position 467, A replaced by G.
Protein change: p.Lys156Arg; replaces lysine 156 with arginine.
Molecular consequence: missense variant.
Genome position (GRCh38, 1-based): chr17:54,999,811, A>G. VCF-style: chr17-54999811-A-G. GRCh37 (hg19) VCF-style: chr17-53077172-A-G.
Other names: c.473A>G, p.Lys158Arg (NM_001398481.1); c.467A>G, p.Lys156Arg (NM_001398482.1, NM_001398483.1); short protein forms K156R, K158R.
Identifiers: ClinVar variation 4591011 (VCV004591011.1).
Genomic context (GRCh38, chr17:54,999,811, plus strand): 5'-CATTAAGTCTTTTTTCTTCTCCTCCTGAAATACTAATCCCAAAGACCTCATCCACTCCCA[A>G]AACAAATAATGACATTTTATCTTCTTGTGAGGTAAGTCAGGTAATCTTAAATTTCTCTAT-3'
Protein context (NP_848604.3, residues 146-166): ILIPKTSSTP[Lys156Arg]TNNDILSSCE

ClinVar aggregate classification (germline): Uncertain significance (1 of 4 stars; one submission).

gnomAD v4.1: 3 of 1,612,898 alleles (0.00019%); highest among the groups gnomAD compares: Admixed American, 0.0017%; no homozygotes.

Submission:

Ambry Genetics
Classification: Uncertain significance. Last evaluated: 2025-10-30. Review status: criteria provided, single submitter. Criteria: Ambry Variant Classification Scheme 2023. Collection method: clinical testing. Allele origin: germline.
Comment: The c.467A>G (p.K156R) alteration is located in exon 6 (coding exon 4) of the STXBP4 gene. This alteration results from a A to G substitution at nucleotide position 467, causing the lysine (K) at amino acid position 156 to be replaced by an arginine (R). Based on data from gnomAD, the G allele has an overall frequency of <0.001% (1/250416) total alleles studied. The highest observed frequency was 0.003% (1/34448) of Latino alleles. Based on insufficient or conflicting evidence, the clinical significance of this alteration remains unclear.